The following is an entry in ClinVar:

NM_016032.4(ZDHHC9):c.313A>G (p.Ile105Val)

Gene: ZDHHC9 (zDHHC palmitoyltransferase 9; minus strand). Cytogenetic location: Xq26.1.
Variant type: single nucleotide variant.
Coding change: c.313A>G on transcript NM_016032.4 (MANE Select); coding-DNA position 313, A replaced by G.
Protein change: p.Ile105Val; replaces isoleucine 105 with valine.
Molecular consequence: missense variant.
Genome position (GRCh38, 1-based): chrX:129,828,996, T>C on the plus strand (A>G on the coding strand, the complement: ZDHHC9 is on the minus strand). VCF-style: chrX-129828996-T-C. GRCh37 (hg19) VCF-style: chrX-128962972-T-C.
Other names: c.313A>G, p.Ile105Val (NM_001008222.3); short protein forms I105V.
Identifiers: ClinVar variation 1057623 (VCV001057623.9), dbSNP rs2124124514, ClinGen allele CA414592411.

ClinVar aggregate classification (germline): Uncertain significance (1 of 4 stars; one submission).

Conditions:
Intellectual developmental disorder, X-linked, syndromic, Raymond type. Also called: Syndromic X-linked intellectual disability Raymond type. Identifiers: MedGen C3275406, MONDO:0010427, OMIM 300799.

Submission:

Labcorp Genetics (formerly Invitae), Labcorp
Classification: Uncertain significance for Intellectual developmental disorder, X-linked, syndromic, Raymond type. Last evaluated: 2020-11-25. Review status: criteria provided, single submitter. Criteria: Invitae Variant Classification Sherloc (09022015). Collection method: clinical testing. Allele origin: germline.
Comment: In summary, the available evidence is currently insufficient to determine the role of this variant in disease. Therefore, it has been classified as a Variant of Uncertain Significance. Algorithms developed to predict the effect of missense changes on protein structure and function (SIFT, PolyPhen-2, Align-GVGD) all suggest that this variant is likely to be disruptive, but these predictions have not been confirmed by published functional studies and their clinical significance is uncertain. This variant has not been reported in the literature in individuals with ZDHHC9-related conditions. This variant is not present in population databases (ExAC no frequency). This sequence change replaces isoleucine with valine at codon 105 of the ZDHHC9 protein (p.Ile105Val). The isoleucine residue is highly conserved and there is a small physicochemical difference between isoleucine and valine.